The following is an entry in ClinVar:

NM_001267550.2(TTN):c.89689C>T (p.Leu29897Phe)

Genes: TTN (titin; minus strand), TTN-AS1 (TTN antisense RNA 1; plus strand). Cytogenetic location: 2q31.2.
Variant type: single nucleotide variant.
Coding change: c.89689C>T on transcript NM_001267550.2 (MANE Select); coding-DNA position 89689, C replaced by T.
Protein change: p.Leu29897Phe; replaces leucine 29897 with phenylalanine.
Molecular consequence: missense variant.
Genome position (GRCh38, 1-based): chr2:178,553,211, G>A on the plus strand (C>T on the coding strand, the complement: TTN is on the minus strand). VCF-style: chr2-178553211-G-A. GRCh37 (hg19) VCF-style: chr2-179417938-G-A.
Other names: p.L28256F:CTC>TTC; c.84766C>T, p.Leu28256Phe (NM_001256850.1); c.62494C>T, p.Leu20832Phe (NM_003319.4); c.81985C>T, p.Leu27329Phe (NM_133378.4); c.62869C>T, p.Leu20957Phe (NM_133432.3); c.63070C>T, p.Leu21024Phe (NM_133437.4); c.89689C>T (NM_001267550.1); short protein forms L28256F, L29897F, L27329F, L21024F, L20957F, L20832F.
Identifiers: ClinVar variation 202959 (VCV000202959.15), dbSNP rs180798672, ClinGen allele CA310811.

ClinVar aggregate classification (germline): Conflicting classifications of pathogenicity. Review status: criteria provided, conflicting classifications (1 of 4 stars). 7 submissions from 7 submitters: Uncertain significance (4); Likely benign (1). 2 of the submissions do not count toward it. Last evaluated 2026-07-30.

Conditions:
Cardiovascular phenotype. Identifiers: MedGen CN230736.
TTN-related disorder. Also called: TTN-related disorders; TTN-related condition; TTN-related disease.
Dilated cardiomyopathy 1G (CMD1G). Identifiers: Orphanet 154, MedGen C1858763, MONDO:0011400, OMIM 604145.
Autosomal recessive limb-girdle muscular dystrophy type 2J (LGMDR10). Also called: Limb-girdle muscular dystrophy, type 2J; MUSCULAR DYSTROPHY, LIMB-GIRDLE, AUTOSOMAL RECESSIVE 10. Identifiers: Orphanet 140922, MedGen C1837342, MONDO:0012127, OMIM 608807.

Allele frequency attached by ClinVar (database versions not stated): 1000 Genomes Project 30x 0.00031; gnomAD 0.00002 and 0.00001; ExAC 0.00002; gnomAD exomes 0.00001 and 0.00002; 1000 Genomes Project 0.00020.
gnomAD v4.1: 18 of 1,613,842 alleles (0.0011%); highest among the groups gnomAD compares: Admixed American, 0.0067%; no homozygotes.

Submissions (7):

Ambry Genetics
Classification: Likely benign for Cardiovascular phenotype. Last evaluated: 2026-07-30. Review status: criteria provided, single submitter. Criteria: Ambry Variant Classification Scheme 2023. Collection method: clinical testing. Allele origin: germline.

PreventionGenetics, part of Exact Sciences
Classification: Uncertain significance for TTN-related condition. Last evaluated: 2025-09-03. Review status: criteria provided, single submitter. Criteria: ACMG Guidelines, 2015. Collection method: clinical testing. Allele origin: germline.
Comment: The TTN c.89689C>T variant is predicted to result in the amino acid substitution p.Leu29897Phe. This variant has been reported as a variant of uncertain significance in an individual with dilated cardiomyopathy (described as p.Leu27329Phe, Martínez-Barrios et al. 2022. PubMed ID: 35207729). This variant is reported in 0.012% of alleles in individuals of Latino descent in gnomAD. At this time, the clinical significance of this variant is uncertain due to the absence of conclusive functional and genetic evidence.

GeneDx
Classification: Uncertain significance. Last evaluated: 2025-05-15. Review status: criteria provided, single submitter. Criteria: GeneDx Variant Classification Process June 2021. Collection method: clinical testing. Allele origin: germline. Affected: yes.
Comment: Reported as a variant of uncertain significance in an individual with DCM, although further patient-specific clinical detail was not provided (PMID: 35207729); Not observed at significant frequency in large population cohorts (gnomAD); Missense variant in a gene in which most reported pathogenic variants are truncating/loss of function; This variant is associated with the following publications: (PMID: 35207729)

Dasa
Classification: Uncertain significance. Last evaluated: 2024-12-20. Review status: criteria provided, single submitter. Criteria: DASA Assertion Criteria. Collection method: clinical testing. Allele origin: germline.
Comment: NM_001267550.2(TTN):c.89689C>T (p.Leu29897Phe) is a missense variant that results in the substitution of leucine with phenylalanine. This variant is rare in population databases. Computational prediction algorithms are consistent with a deleterious effect. The currently available literature and clinical evidence are not sufficient to establish a definitive association between this variant and the reported condition. Therefore, this variant is classified as a variant of uncertain significance.

Labcorp Genetics (formerly Invitae), Labcorp
Classification: Uncertain significance for Dilated cardiomyopathy 1G; Autosomal recessive limb-girdle muscular dystrophy type 2J. Last evaluated: 2017-08-14. Review status: criteria provided, single submitter. Criteria: Invitae Variant Classification Sherloc (09022015). Collection method: clinical testing. Allele origin: germline.

Clinical Genetics, Academic Medical Center
Classification: Uncertain significance. Review status: no assertion criteria provided. Collection method: clinical testing. Allele origin: germline. Affected: yes. Study: VKGL Data-share Consensus. Not counted in ClinVar's aggregate classification.

Laboratory of Diagnostic Genome Analysis, Leiden University Medical Center (LUMC)
Classification: Uncertain significance. Review status: no assertion criteria provided. Collection method: clinical testing. Allele origin: germline. Affected: yes. Study: VKGL Data-share Consensus. Not counted in ClinVar's aggregate classification.